The following is an entry in ClinVar:

ClinVar aggregate classification (germline): Uncertain significance (1 of 4 stars; one submission).

Allele frequency attached by ClinVar (database versions not stated): gnomAD exomes below 0.00001; gnomAD 0.00001; TOPMed 0.00001.
gnomAD v4.1: 7 of 1,613,966 alleles (0.00043%); highest among the groups gnomAD compares: African/African-American, 0.0013%; no homozygotes.

Submission:

Labcorp Genetics (formerly Invitae), Labcorp
Classification: Uncertain significance. Last evaluated: 2022-06-27. Review status: criteria provided, single submitter. Criteria: Invitae Variant Classification Sherloc (09022015). Collection method: clinical testing. Allele origin: germline.
Comment: In summary, the available evidence is currently insufficient to determine the role of this variant in disease. Therefore, it has been classified as a Variant of Uncertain Significance. Variants that disrupt the consensus splice site are a relatively common cause of aberrant splicing (PMID: 17576681, 9536098). Algorithms developed to predict the effect of sequence changes on RNA splicing suggest that this variant may disrupt the consensus splice site. Disruption of this splice site has been observed in individuals with clinical features of achromatopsia (PMID: 24903488; Invitae). This variant is present in population databases (no rsID available, gnomAD 0.0009%). This sequence change affects an acceptor splice site in intron 7 of the CNGA3 gene. While this variant is not anticipated to result in nonsense mediated decay, it likely alters RNA splicing and results in a disrupted protein product.

Literature cited by the submitters: PubMed 17576681; PubMed 9536098; PubMed 24903488.

NM_001298.3(CNGA3):c.674-1G>C

Gene: CNGA3 (cyclic nucleotide gated channel subunit alpha 3; plus strand). Cytogenetic location: 2q11.2.
Variant type: single nucleotide variant.
Coding change: c.674-1G>C on transcript NM_001298.3 (MANE Select); the canonical splice acceptor site of the intron before coding-DNA position 674, G replaced by C.
Molecular consequence: splice acceptor variant.
Genome position (GRCh38, 1-based): chr2:98,395,843, G>C. VCF-style: chr2-98395843-G-C. GRCh37 (hg19) VCF-style: chr2-99012306-G-C.
Other names: c.620-1G>C (NM_001079878.2).
Identifiers: ClinVar variation 1412069 (VCV001412069.6), dbSNP rs949254623, ClinGen allele CA52635169.